The following is an entry in ClinVar:

ClinVar aggregate classification (germline): Likely benign (1 of 4 stars; one submission).

Allele frequency attached by ClinVar (database versions not stated): 1000 Genomes Project 30x 0.00437; 1000 Genomes Project 0.00439; gnomAD 0.00567; ESP Exome Variant Server 0.00615; ExAC 0.00667.
gnomAD v4.1: 12,499 of 1,614,092 alleles (0.77%); highest among the groups gnomAD compares: Middle Eastern, 2.1%; 70 homozygotes.

Submission:

CeGaT Center for Human Genetics Tuebingen
Classification: Likely benign. Last evaluated: 2023-03-01. Review status: criteria provided, single submitter. Criteria: CeGaT Center For Human Genetics Tuebingen Variant Classification Criteria Version 2. Collection method: clinical testing. Allele origin: germline. Affected: yes. Observed: 2 variant alleles.
Comment: NTSR1: BP4, BP7, BS2

NM_002531.3(NTSR1):c.1152G>A (p.Pro384=)

Gene: NTSR1 (neurotensin receptor 1; plus strand). Cytogenetic location: 20q13.33.
Variant type: single nucleotide variant.
Coding change: c.1152G>A on transcript NM_002531.3 (MANE Select); coding-DNA position 1152, G replaced by A.
Protein change: p.Pro384=; no amino-acid change (proline 384 retained).
Molecular consequence: synonymous variant.
Genome position (GRCh38, 1-based): chr20:62,760,162, G>A. VCF-style: chr20-62760162-G-A. GRCh37 (hg19) VCF-style: chr20-61391514-G-A.
Identifiers: ClinVar variation 2652499 (VCV002652499.24), dbSNP rs45613333, ClinGen allele CA9948073.